The following is an entry in ClinVar:

ClinVar aggregate classification (germline): Uncertain significance (1 of 4 stars; one submission).

Allele frequency attached by ClinVar (database versions not stated): gnomAD exomes below 0.00001; ExAC 0.00001.
gnomAD v4.1: 1 of 1,614,014 alleles (0.000062%); highest among the groups gnomAD compares: Non-Finnish European, 0.000085%; no homozygotes.

Submission:

Labcorp Genetics (formerly Invitae), Labcorp
Classification: Uncertain significance. Last evaluated: 2021-02-22. Review status: criteria provided, single submitter. Criteria: Invitae Variant Classification Sherloc (09022015). Collection method: clinical testing. Allele origin: germline.
Comment: This sequence change replaces lysine with arginine at codon 882 of the LIG1 protein (p.Lys882Arg). The lysine residue is highly conserved and there is a small physicochemical difference between lysine and arginine. In summary, the available evidence is currently insufficient to determine the role of this variant in disease. Therefore, it has been classified as a Variant of Uncertain Significance. Algorithms developed to predict the effect of missense changes on protein structure and function (SIFT, PolyPhen-2, Align-GVGD) all suggest that this variant is likely to be disruptive, but these predictions have not been confirmed by published functional studies and their clinical significance is uncertain. This variant has not been reported in the literature in individuals with LIG1-related conditions. This variant is present in population databases (rs745417422, ExAC 0.002%).

NM_000234.3(LIG1):c.2645A>G (p.Lys882Arg)

Gene: LIG1 (DNA ligase 1; minus strand). Cytogenetic location: 19q13.33.
Variant type: single nucleotide variant.
Coding change: c.2645A>G on transcript NM_000234.3 (MANE Select); coding-DNA position 2645, A replaced by G.
Protein change: p.Lys882Arg; replaces lysine 882 with arginine.
Molecular consequence: missense variant. On other transcripts: non-coding transcript variant (6).
Genome position (GRCh38, 1-based): chr19:48,115,904, T>C on the plus strand (A>G on the coding strand, the complement: LIG1 is on the minus strand). VCF-style: chr19-48115904-T-C. GRCh37 (hg19) VCF-style: chr19-48619161-T-C.
Other names: c.2552A>G, p.Lys851Arg (NM_001289063.2); c.2441A>G, p.Lys814Arg (NM_001289064.2); c.2642A>G, p.Lys881Arg (NM_001320970.2); c.2555A>G, p.Lys852Arg (NM_001320971.2); short protein forms K852R, K881R, K882R, K814R, K851R.
Identifiers: ClinVar variation 1486312 (VCV001486312.8), dbSNP rs745417422, ClinGen allele CA9546324.